The following is an entry in ClinVar:

NM_001393797.1(ABCC12):c.366C>T (p.Arg122=)

Gene: ABCC12 (ATP binding cassette subfamily C member 12; minus strand). Cytogenetic location: 16q12.1.
Variant type: single nucleotide variant.
Coding change: c.366C>T on transcript NM_001393797.1 (MANE Select); coding-DNA position 366, C replaced by T.
Protein change: p.Arg122=; no amino-acid change (arginine 122 retained).
Molecular consequence: synonymous variant. On other transcripts: non-coding transcript variant (6).
Genome position (GRCh38, 1-based): chr16:48,141,263, G>A on the plus strand (C>T on the coding strand, the complement: ABCC12 is on the minus strand). VCF-style: chr16-48141263-G-A. GRCh37 (hg19) VCF-style: chr16-48175174-G-A.
Other names: c.366C>T, p.Arg122= (NM_001392028.1, NM_033226.3).
Identifiers: ClinVar variation 2646497 (VCV002646497.25), dbSNP rs566970228, ClinGen allele CA8042745.

ClinVar aggregate classification (germline): Likely benign. Review status: criteria provided, multiple submitters, no conflicts (2 of 4 stars). 2 submissions from 2 submitters: Likely benign (2). Last evaluated 2022-10-01.

Allele frequency attached by ClinVar (database versions not stated): TOPMed 0.00003; gnomAD 0.00005; ExAC 0.00014; 1000 Genomes Project 30x 0.00031; 1000 Genomes Project 0.00040.
gnomAD v4.1: 122 of 1,614,200 alleles (0.0076%); highest among the groups gnomAD compares: South Asian, 0.047%; no homozygotes.

Submissions (2):

CeGaT Center for Human Genetics Tuebingen
Classification: Likely benign. Last evaluated: 2022-10-01. Review status: criteria provided, single submitter. Criteria: CeGaT Center For Human Genetics Tuebingen Variant Classification Criteria Version 2. Collection method: clinical testing. Allele origin: germline. Affected: yes. Observed: 1 variant allele.
Comment: ABCC12: BP4, BP7

Breakthrough Genomics
Classification: Likely benign. Review status: criteria provided, single submitter. Criteria: ACMG Guidelines, 2015. Collection method: not provided. Allele origin: germline. Inheritance: Unknown mechanism. Affected: yes.